The following is an entry in ClinVar:

NM_001252024.2(TRPM1):c.1499A>C (p.Lys500Thr)

Gene: TRPM1 (transient receptor potential cation channel subfamily M member 1; minus strand). Cytogenetic location: 15q13.3.
Variant type: single nucleotide variant.
Coding change: c.1499A>C on transcript NM_001252024.2 (MANE Select); coding-DNA position 1499, A replaced by C.
Protein change: p.Lys500Thr; replaces lysine 500 with threonine.
Molecular consequence: missense variant.
Genome position (GRCh38, 1-based): chr15:31,049,448, T>G on the plus strand (A>C on the coding strand, the complement: TRPM1 is on the minus strand). VCF-style: chr15-31049448-T-G. GRCh37 (hg19) VCF-style: chr15-31341651-T-G.
Other names: c.1550A>C, p.Lys517Thr (NM_001252020.2); c.1433A>C, p.Lys478Thr (NM_002420.6); short protein forms K478T, K517T, K500T.
Identifiers: ClinVar variation 964068 (VCV000964068.10), dbSNP rs542831790, ClinGen allele CA7452546.

ClinVar aggregate classification (germline): Uncertain significance (1 of 4 stars; one submission).

Allele frequency attached by ClinVar (database versions not stated): TOPMed below 0.00001; gnomAD 0.00001; 1000 Genomes Project 30x 0.00031; 1000 Genomes Project 0.00040; gnomAD exomes 0.00001; ExAC 0.00002.
gnomAD v4.1: 14 of 1,614,170 alleles (0.00087%); highest among the groups gnomAD compares: South Asian, 0.0055%; no homozygotes.

Submission:

Labcorp Genetics (formerly Invitae), Labcorp
Classification: Uncertain significance. Last evaluated: 2019-08-26. Review status: criteria provided, single submitter. Criteria: Invitae Variant Classification Sherloc (09022015). Collection method: clinical testing. Allele origin: germline.
Comment: In summary, the available evidence is currently insufficient to determine the role of this variant in disease. Therefore, it has been classified as a Variant of Uncertain Significance. Algorithms developed to predict the effect of missense changes on protein structure and function (SIFT, PolyPhen-2, Align-GVGD) all suggest that this variant is likely to be disruptive, but these predictions have not been confirmed by published functional studies and their clinical significance is uncertain. This variant has not been reported in the literature in individuals with TRPM1-related conditions. This variant is present in population databases (rs542831790, ExAC 0.02%). This sequence change replaces lysine with threonine at codon 478 of the TRPM1 protein (p.Lys478Thr). The lysine residue is highly conserved and there is a moderate physicochemical difference between lysine and threonine.